The following is an entry in ClinVar:

ClinVar aggregate classification (germline): Uncertain significance (1 of 4 stars; one submission).

Conditions:
Inborn genetic diseases. Identifiers: MedGen C0950123, MeSH D030342.

Allele frequency attached by ClinVar (database versions not stated): gnomAD exomes 0.00001; TOPMed 0.00001.
gnomAD v4.1: 7 of 1,613,476 alleles (0.00043%); highest among the groups gnomAD compares: Non-Finnish European, 0.00059%; no homozygotes.

Submission:

Ambry Genetics
Classification: Uncertain significance for Inborn genetic diseases. Last evaluated: 2019-12-30. Review status: criteria provided, single submitter. Criteria: Ambry Variant Classification Scheme 2023. Collection method: clinical testing. Allele origin: germline.
Comment: The p.W1877R variant (also known as c.5629T>A), located in coding exon 41 of the DST gene, results from a T to A substitution at nucleotide position 5629. The tryptophan at codon 1877 is replaced by arginine, an amino acid with dissimilar properties. This amino acid position is highly conserved in available vertebrate species. In addition, this alteration is predicted to be deleterious by in silico analysis. Since supporting evidence is limited at this time, the clinical significance of this alteration remains unclear.

NM_001374736.1(DST):c.11986T>A (p.Trp3996Arg)

Gene: DST (dystonin; minus strand). Cytogenetic location: 6p12.1.
Variant type: single nucleotide variant.
Coding change: c.11986T>A on transcript NM_001374736.1 (MANE Select); coding-DNA position 11986, T replaced by A.
Protein change: p.Trp3996Arg; replaces tryptophan 3996 with arginine.
Molecular consequence: missense variant.
Genome position (GRCh38, 1-based): chr6:56,597,949, A>T on the plus strand (T>A on the coding strand, the complement: DST is on the minus strand). VCF-style: chr6-56597949-A-T. GRCh37 (hg19) VCF-style: chr6-56462747-A-T.
Other names: c.5629T>A, p.Trp1877Arg (NM_001144769.5); c.5215T>A, p.Trp1739Arg (NM_001144770.2); c.11986T>A, p.Trp3996Arg (NM_001374722.1); c.11353T>A, p.Trp3785Arg (NM_001374729.1); c.5095T>A, p.Trp1699Arg (NM_001374730.1, NM_001386100.1, NM_183380.4); c.12013T>A, p.Trp4005Arg (NM_001374734.1); c.4117T>A, p.Trp1373Arg (NM_015548.5); short protein forms W1699R, W3785R, W1373R, W1739R, W4005R, W1877R, W3996R.
Identifiers: ClinVar variation 1748727 (VCV001748727.2), dbSNP rs1275593051, ClinGen allele CA364528738.